The following is an entry in ClinVar:

ClinVar aggregate classification (germline): Uncertain significance. Review status: criteria provided, multiple submitters, no conflicts (2 of 4 stars). 2 submissions from 2 submitters: Uncertain significance (2). Last evaluated 2023-05-05.

Conditions:
Adams-Oliver syndrome 5 (AOS5). Identifiers: Orphanet 974, MedGen C4014970, MONDO:0014459, OMIM 616028.
Familial thoracic aortic aneurysm and aortic dissection (TAAD). Also called: Thoracic aortic aneurysms and dissections. Identifiers: Orphanet 91387, MedGen C4707243, MONDO:0019625.

Allele frequency attached by ClinVar (database versions not stated): TOPMed below 0.00001.

Submissions (2):

Labcorp Genetics (formerly Invitae), Labcorp
Classification: Uncertain significance for Adams-Oliver syndrome 5. Last evaluated: 2023-05-05. Review status: criteria provided, single submitter. Criteria: Invitae Variant Classification Sherloc (09022015). Collection method: clinical testing. Allele origin: germline.
Comment: ClinVar contains an entry for this variant (Variation ID: 1735706). Advanced modeling of protein sequence and biophysical properties (such as structural, functional, and spatial information, amino acid conservation, physicochemical variation, residue mobility, and thermodynamic stability) performed at Invitae indicates that this missense variant is not expected to disrupt NOTCH1 protein function. In summary, the available evidence is currently insufficient to determine the role of this variant in disease. Therefore, it has been classified as a Variant of Uncertain Significance. This sequence change replaces aspartic acid, which is acidic and polar, with glutamic acid, which is acidic and polar, at codon 1290 of the NOTCH1 protein (p.Asp1290Glu). This variant is not present in population databases (gnomAD no frequency). This variant has not been reported in the literature in individuals affected with NOTCH1-related conditions.

Ambry Genetics
Classification: Uncertain significance for Familial thoracic aortic aneurysm and aortic dissection. Last evaluated: 2021-12-23. Review status: criteria provided, single submitter. Criteria: Ambry Variant Classification Scheme 2023. Collection method: clinical testing. Allele origin: germline.
Comment: The p.D1290E variant (also known as c.3870C>G), located in coding exon 23 of the NOTCH1 gene, results from a C to G substitution at nucleotide position 3870. The aspartic acid at codon 1290 is replaced by glutamic acid, an amino acid with highly similar properties. This amino acid position is conserved. In addition, this alteration is predicted to be tolerated by in silico analysis. Since supporting evidence is limited at this time, the clinical significance of this alteration remains unclear.

NM_017617.5(NOTCH1):c.3870C>G (p.Asp1290Glu)

Gene: NOTCH1 (notch receptor 1; minus strand). Cytogenetic location: 9q34.3.
Variant type: single nucleotide variant.
Coding change: c.3870C>G on transcript NM_017617.5 (MANE Select); coding-DNA position 3870, C replaced by G.
Protein change: p.Asp1290Glu; replaces aspartic acid 1290 with glutamic acid.
Molecular consequence: missense variant.
Genome position (GRCh38, 1-based): chr9:136,506,747, G>C on the plus strand (C>G on the coding strand, the complement: NOTCH1 is on the minus strand). VCF-style: chr9-136506747-G-C. GRCh37 (hg19) VCF-style: chr9-139401199-G-C.
Other names: short protein forms D1290E.
Identifiers: ClinVar variation 1735706 (VCV001735706.5), dbSNP rs1843092231, ClinGen allele CA375549005.
Genomic context (GRCh38, chr9:136,506,747, plus strand): 5'-CGCCCCACCCGCCTGGGCGCGGCACCCACCGGTGTGACCAGCACGGCACTCGCAGTGGAA[G>C]TCATTGACGCGCTGCACGCAGTTCTGGGTGCCACGGGCGTCGCAGGGATTGGACAGGCAC-3'
Protein context (NP_060087.3, residues 1280-1300): GTQNCVQRVN[Asp1290Glu]FHCECRAGHT